The following is an entry in ClinVar:

ClinVar aggregate classification (germline): Uncertain significance. Review status: criteria provided, multiple submitters, no conflicts (2 of 4 stars). 3 submissions from 3 submitters: Uncertain significance (3). Last evaluated 2025-04-03.

gnomAD v4.1: 6 of 1,550,156 alleles (0.00039%); highest among the groups gnomAD compares: Non-Finnish European, 0.00052%; no homozygotes.

Submissions (3):

Women's Health and Genetics/Laboratory Corporation of America, LabCorp
Classification: Uncertain significance. Last evaluated: 2025-04-03. Review status: criteria provided, single submitter. Criteria: LabCorp Variant Classification Summary - May 2015. Collection method: clinical testing. Allele origin: germline.
Comment: Variant summary: ZNF469 c.1073C>G (p.Pro358Arg) results in a non-conservative amino acid change in the encoded protein sequence. Two of four in-silico tools predict a benign effect of the variant on protein function. The variant was absent in 149264 control chromosomes. The available data on variant occurrences in the general population are insufficient to allow any conclusion about variant significance. To our knowledge, no occurrence of c.1073C>G in individuals affected with Brittle cornea syndrome 1 and no experimental evidence demonstrating its impact on protein function have been reported. ClinVar contains an entry for this variant (Variation ID: 2444711). Based on the evidence outlined above, the variant was classified as uncertain significance.

Labcorp Genetics (formerly Invitae), Labcorp
Classification: Uncertain significance. Last evaluated: 2024-10-05. Review status: criteria provided, single submitter. Criteria: Invitae Variant Classification Sherloc (09022015). Collection method: clinical testing. Allele origin: germline.
Comment: This sequence change replaces proline, which is neutral and non-polar, with arginine, which is basic and polar, at codon 358 of the ZNF469 protein (p.Pro358Arg). This variant is not present in population databases (gnomAD no frequency). This variant has not been reported in the literature in individuals affected with ZNF469-related conditions. ClinVar contains an entry for this variant (Variation ID: 2444711). An algorithm developed to predict the effect of missense changes on protein structure and function (PolyPhen-2) suggests that this variant is likely to be disruptive. In summary, the available evidence is currently insufficient to determine the role of this variant in disease. Therefore, it has been classified as a Variant of Uncertain Significance.

GeneDx
Classification: Uncertain significance. Last evaluated: 2022-09-14. Review status: criteria provided, single submitter. Criteria: GeneDx Variant Classification Process June 2021. Collection method: clinical testing. Allele origin: germline. Affected: yes.
Comment: In silico analysis supports that this missense variant has a deleterious effect on protein structure/function; Not observed at significant frequency in large population cohorts (gnomAD); Has not been previously published as pathogenic or benign to our knowledge

NM_001367624.2(ZNF469):c.1073C>G (p.Pro358Arg)

Gene: ZNF469 (zinc finger protein 469; plus strand). Cytogenetic location: 16q24.2.
Variant type: single nucleotide variant.
Coding change: c.1073C>G on transcript NM_001367624.2 (MANE Select); coding-DNA position 1073, C replaced by G.
Protein change: p.Pro358Arg; replaces proline 358 with arginine.
Molecular consequence: missense variant.
Genome position (GRCh38, 1-based): chr16:88,428,543, C>G. VCF-style: chr16-88428543-C-G. GRCh37 (hg19) VCF-style: chr16-88494951-C-G.
Other names: NM_001127464.1:c.1073C>G; short protein forms P358R.
Identifiers: ClinVar variation 2444711 (VCV002444711.5), dbSNP rs1410186217, ClinGen allele CA397063010.
Genomic context (GRCh38, chr16:88,428,543, plus strand): 5'-ACCAGGGCCAGCCAGGTGGCCTGAACCGCCACAGCGACCTCAGTGGTGCCCTCTCTTCCC[C>G]TGGAGCTGCTCACTCGGCCCCGAGACCCTTCTCTGACAGTTTACACAAGAGCCTGACCAA-3'
Protein context (NP_001354553.1, residues 348-368): HSDLSGALSS[Pro358Arg]GAAHSAPRPF